The following is an entry in ClinVar:

NM_000274.4(OAT):c.1140del (p.Ile380fs)

Gene: OAT (ornithine aminotransferase; minus strand). Cytogenetic location: 10q26.13.
Variant type: Deletion.
Coding change: c.1140del on transcript NM_000274.4 (MANE Select); coding-DNA position 1140, one base deleted (T; older notation c.1140delT).
Protein change: p.Ile380fs; shifts the reading frame from isoleucine 380.
Molecular consequence: frameshift variant.
Genome position (GRCh38, 1-based): chr10:124,400,859, A deleted on the plus strand (T on the coding strand, the reverse complement: OAT is on the minus strand); the first of 2 consecutive A bases (chr10:124,400,859-124,400,860); deleting either gives the same sequence. VCF-style (leftmost placement, unchanged base first): chr10-124400858-CA-C. GRCh37 (hg19) VCF-style: chr10-126089427-CA-C.
Other names: c.726del, p.Ile242fs (NM_001171814.2); c.1140del, p.Ile380fs (NM_001322965.2, NM_001322966.2, NM_001322967.2 and 3 more transcripts); c.819del, p.Ile273fs (NM_001322971.2); c.540del, p.Ile180fs (NM_001322974.2); short protein forms I242fs, I380fs, I180fs, I273fs.
Identifiers: ClinVar variation 2706304 (VCV002706304.3), dbSNP rs2494443851, ClinGen allele CA2697558796.

ClinVar aggregate classification (germline): Pathogenic (1 of 4 stars; one submission).

Conditions:
Ornithine aminotransferase deficiency (GACR). Also called: OKT DEFICIENCY; Ornithine ketoacid aminotransferase deficiency; Gyrate atrophy; Gyrate atrophy of choroid and retina; Girate atrophy of the retina; HYPERORNITHINEMIA WITH GYRATE ATROPHY OF CHOROID AND RETINA. Identifiers: Orphanet 414, MedGen C0018425, MONDO:0009796, OMIM 258870.

Submission:

Labcorp Genetics (formerly Invitae), Labcorp
Classification: Pathogenic for Ornithine aminotransferase deficiency. Last evaluated: 2023-12-29. Review status: criteria provided, single submitter. Criteria: Invitae Variant Classification Sherloc (09022015). Collection method: clinical testing. Allele origin: germline.
Comment: This sequence change creates a premature translational stop signal (p.Ile380Metfs*40) in the OAT gene. While this is not anticipated to result in nonsense mediated decay, it is expected to disrupt the last 60 amino acid(s) of the OAT protein. This variant is not present in population databases (gnomAD no frequency). This variant has not been reported in the literature in individuals affected with OAT-related conditions. This variant disrupts a region of the OAT protein in which other variant(s) (p.Arg426*) have been determined to be pathogenic (PMID: 1609808, 23076989, 24429551). This suggests that this is a clinically significant region of the protein, and that variants that disrupt it are likely to be disease-causing. For these reasons, this variant has been classified as Pathogenic.

Literature cited by the submitters: PubMed 1609808; PubMed 23076989; PubMed 24429551.